The following is an entry in ClinVar:

NM_005523.6(HOXA11):c.236T>C (p.Leu79Pro)

Genes: HOXA11 (homeobox A11; minus strand), LOC107126281 (NUP98-HOXA11 recombination region; plus strand). Cytogenetic location: 7p15.2.
Variant type: single nucleotide variant.
Coding change: c.236T>C on transcript NM_005523.6 (MANE Select); coding-DNA position 236, T replaced by C.
Protein change: p.Leu79Pro; replaces leucine 79 with proline.
Molecular consequence: missense variant.
Genome position (GRCh38, 1-based): chr7:27,184,909, A>G on the plus strand (T>C on the coding strand, the complement: HOXA11 is on the minus strand). VCF-style: chr7-27184909-A-G. GRCh37 (hg19) VCF-style: chr7-27224528-A-G.
Other names: short protein forms L79P.
Identifiers: ClinVar variation 3033369 (VCV003033369.4), dbSNP rs201762092, ClinGen allele CA4198473.

ClinVar aggregate classification (germline): Likely benign. Review status: criteria provided, multiple submitters, no conflicts (2 of 4 stars). 3 submissions from 3 submitters: Likely benign (2). 1 of the submissions does not count toward it. Last evaluated 2026-03-13.

Conditions:
HOXA11-related disorder. Also called: HOXA11-related condition.

Allele frequency attached by ClinVar (database versions not stated): gnomAD 0.00005; ExAC 0.00015; 1000 Genomes Project 0.00020; 1000 Genomes Project 30x 0.00031.
gnomAD v4.1: 64 of 1,614,050 alleles (0.004%); highest among the groups gnomAD compares: East Asian, 0.12%; no homozygotes.

Submissions (3):

Women's Health and Genetics/Laboratory Corporation of America, LabCorp
Classification: Likely benign. Last evaluated: 2026-03-13. Review status: criteria provided, single submitter. Criteria: LabCorp Variant Classification Summary - May 2015. Collection method: clinical testing. Allele origin: germline.
Comment: Variant summary: HOXA11 c.236T>C (p.Leu79Pro) results in a non-conservative amino acid change in the encoded protein sequence. Algorithms developed to predict the effect of missense changes on protein structure and function are either unavailable or do not agree on the potential impact of this missense change. The variant allele was found at a frequency of 0.00014 in 250482 control chromosomes, predominantly at a frequency of 0.0017 within the East Asian subpopulation in the gnomAD database. The observed variant frequency within East Asian control individuals in the gnomAD database exceeds the estimated maximal expected allele frequency for disease-causing variants in HOXA11. To our knowledge, no occurrence of c.236T>C in individuals affected with HOXA11-related conditions and no experimental evidence demonstrating its impact on protein function have been reported. ClinVar contains an entry for this variant (Variation ID: 3033369). Based on the evidence outlined above, the variant was classified as likely benign.

Blueprint Genetics
Classification: Likely benign. Last evaluated: 2024-10-30. Review status: criteria provided, single submitter. Criteria: ACMG Guidelines, 2015. Collection method: clinical testing. Allele origin: germline.

PreventionGenetics, part of Exact Sciences
Classification: Likely benign for HOXA11-related condition. Last evaluated: 2022-11-29. Review status: no assertion criteria provided. Collection method: clinical testing. Allele origin: germline. Not counted in ClinVar's aggregate classification.
Comment: This variant is classified as likely benign based on ACMG/AMP sequence variant interpretation guidelines (Richards et al. 2015 PMID: 25741868, with internal and published modifications).